The following is an entry in ClinVar:

ClinVar aggregate classification (germline): Uncertain significance (1 of 4 stars; one submission).

Submission:

Labcorp Genetics (formerly Invitae), Labcorp
Classification: Uncertain significance. Last evaluated: 2022-08-24. Review status: criteria provided, single submitter. Criteria: Invitae Variant Classification Sherloc (09022015). Collection method: clinical testing. Allele origin: germline.
Comment: This sequence change replaces glycine, which is neutral and non-polar, with cysteine, which is neutral and slightly polar, at codon 289 of the ADGRE2 protein (p.Gly289Cys). Information on the frequency of this variant in the gnomAD database is not available, as this variant may be reported differently in the database. This variant has not been reported in the literature in individuals affected with ADGRE2-related conditions. Experimental studies and prediction algorithms are not available or were not evaluated, and the functional significance of this variant is currently unknown. In summary, the available evidence is currently insufficient to determine the role of this variant in disease. Therefore, it has been classified as a Variant of Uncertain Significance.

NM_013447.4(ADGRE2):c.864_865delinsCT (p.Gly289Cys)

Gene: ADGRE2 (adhesion G protein-coupled receptor E2; minus strand). Cytogenetic location: 19p13.12.
Variant type: Indel.
Coding change: c.864_865delinsCT on transcript NM_013447.4 (MANE Select); coding-DNA positions 864 to 865, GG replaced by CT.
Protein change: p.Gly289Cys; replaces glycine 289 with cysteine.
Molecular consequence: missense variant.
Genome position (GRCh38, 1-based): chr19:14,765,361-14,765,362, CC replaced by AG on the plus strand (GG replaced by CT on the coding strand, the reverse complement: ADGRE2 is on the minus strand). VCF-style: chr19-14765361-CC-AG. GRCh37 (hg19) VCF-style: chr19-14876173-CC-AG.
Other names: c.864_865delinsCT, p.Gly289Cys (NM_001271052.1); c.717_718delGGinsCT, p.Gly240Cys (NM_152916.2); c.585_586delGGinsCT, p.Gly196Cys (NM_152917.2); short protein forms G289C, G196C, G240C.
Identifiers: ClinVar variation 2026787 (VCV002026787.4), dbSNP rs2513235057, ClinGen allele CA2580096643.